The following is an entry in ClinVar:

NM_000361.3(THBD):c.*1171C>G

Gene: THBD (thrombomodulin; minus strand). Cytogenetic location: 20p11.21.
Variant type: single nucleotide variant.
Coding change: c.*1171C>G on transcript NM_000361.3 (MANE Select); 1171 bases downstream of the stop codon, C replaced by G.
Molecular consequence: 3 prime UTR variant.
Genome position (GRCh38, 1-based): chr20:23,046,606, G>C on the plus strand (C>G on the coding strand, the complement: THBD is on the minus strand). VCF-style: chr20-23046606-G-C. GRCh37 (hg19) VCF-style: chr20-23027243-G-C.
Identifiers: ClinVar variation 337860 (VCV000337860.5), dbSNP rs143450327, ClinGen allele CA10652988.

ClinVar aggregate classification (germline): Benign (1 of 4 stars; one submission).

Conditions:
Atypical hemolytic-uremic syndrome with thrombomodulin anomaly. Also called: HEMOLYTIC UREMIC SYNDROME, ATYPICAL, SUSCEPTIBILITY TO, 6; AHUS, SUSCEPTIBILITY TO, 6. Identifiers: MedGen C2752036, MONDO:0013044, OMIM 612926. Disease mechanism: gain of function.

Allele frequency attached by ClinVar (database versions not stated): 1000 Genomes Project 0.00160; TOPMed 0.00256; gnomAD 0.00245 and 0.00242; 1000 Genomes Project 30x 0.00141.

Submission:

Illumina Laboratory Services, Illumina
Classification: Benign for Atypical hemolytic-uremic syndrome with thrombomodulin anomaly. Last evaluated: 2018-01-12. Review status: criteria provided, single submitter. Criteria: ICSL Variant Classification Criteria 13 December 2019. Collection method: clinical testing. Allele origin: germline.
Comment: This variant was observed in the ICSL laboratory as part of a predisposition screen in an ostensibly healthy population. It had not been previously curated by ICSL or reported in the Human Gene Mutation Database (HGMD: prior to June 1st, 2018), and was therefore a candidate for classification through an automated scoring system. Utilizing variant allele frequency, disease prevalence and penetrance estimates, and inheritance mode, an automated score was calculated to assess if this variant is too frequent to cause the disease. Based on the score and internal cut-off values, a variant classified as benign is not then subjected to further curation. The score for this variant resulted in a classification of benign for this disease.